The following is an entry in ClinVar:

NM_032043.3(BRIP1):c.2672T>C (p.Val891Ala)

Gene: BRIP1 (BRCA1 interacting DNA helicase 1; minus strand). Cytogenetic location: 17q23.2.
Variant type: single nucleotide variant.
Coding change: c.2672T>C on transcript NM_032043.3 (MANE Select); coding-DNA position 2672, T replaced by C.
Protein change: p.Val891Ala; replaces valine 891 with alanine.
Molecular consequence: missense variant.
Genome position (GRCh38, 1-based): chr17:61,686,069, A>G on the plus strand (T>C on the coding strand, the complement: BRIP1 is on the minus strand). VCF-style: chr17-61686069-A-G. GRCh37 (hg19) VCF-style: chr17-59763430-A-G.
Other names: short protein forms V891A.
Identifiers: ClinVar variation 2922305 (VCV002922305.3), dbSNP rs2144115645, ClinGen allele CA400481809.

ClinVar aggregate classification (germline): Uncertain significance (1 of 4 stars; one submission).

Conditions:
Fanconi anemia complementation group J. Also called: BRIP1-Related Fanconi Anemia. Identifiers: Orphanet 84, MedGen C1836860, MONDO:0012187, OMIM 609054.
Familial cancer of breast. Also called: hereditary breast carcinoma; BREAST CANCER, FAMILIAL; Hereditary breast cancer. Identifiers: Orphanet 227535, MedGen C0346153, MONDO:0016419, OMIM 114480. Disease mechanism: loss of function.

Submission:

Labcorp Genetics (formerly Invitae), Labcorp
Classification: Uncertain significance for Familial cancer of breast; Fanconi anemia complementation group J. Last evaluated: 2024-01-19. Review status: criteria provided, single submitter. Criteria: Invitae Variant Classification Sherloc (09022015). Collection method: clinical testing. Allele origin: germline.
Comment: This sequence change replaces valine, which is neutral and non-polar, with alanine, which is neutral and non-polar, at codon 891 of the BRIP1 protein (p.Val891Ala). This variant is not present in population databases (gnomAD no frequency). This variant has not been reported in the literature in individuals affected with BRIP1-related conditions. Advanced modeling of protein sequence and biophysical properties (such as structural, functional, and spatial information, amino acid conservation, physicochemical variation, residue mobility, and thermodynamic stability) performed at Invitae indicates that this missense variant is not expected to disrupt BRIP1 protein function with a negative predictive value of 80%. In summary, the available evidence is currently insufficient to determine the role of this variant in disease. Therefore, it has been classified as a Variant of Uncertain Significance.